The following is an entry in ClinVar:

ClinVar aggregate classification (germline): Benign (1 of 4 stars; one submission).

Allele frequency attached by ClinVar (database versions not stated): 1000 Genomes Project 30x 0.96893; 1000 Genomes Project 0.99381.

Submission:

GeneDx
Classification: Benign. Last evaluated: 2018-06-14. Review status: criteria provided, single submitter. Criteria: GeneDx Variant Classification (06012015). Collection method: clinical testing. Allele origin: germline. Affected: yes.
Comment: This variant is considered likely benign or benign based on one or more of the following criteria: it is a conservative change, it occurs at a poorly conserved position in the protein, it is predicted to be benign by multiple in silico algorithms, and/or has population frequency not consistent with disease.

NM_001379210.1(SLC25A26):c.34-310G>A

Gene: SLC25A26 (solute carrier family 25 member 26; plus strand). Cytogenetic location: 3p14.1.
Variant type: single nucleotide variant.
Coding change: c.34-310G>A on transcript NM_001379210.1 (MANE Select); 310 bases into the intron before coding-DNA position 34, G replaced by A.
Molecular consequence: intron variant.
Genome position (GRCh38, 1-based): chr3:66,236,234, G>A. VCF-style: chr3-66236234-G-A. GRCh37 (hg19) VCF-style: chr3-66286658-G-A.
Other names: c.34-310G>A (NM_173471.4); c.-231-310G>A (NM_001350993.1); c.-74-6969G>A (NM_001164796.1).
Identifiers: ClinVar variation 683877 (VCV000683877.1), dbSNP rs185555999, ClinGen allele CA76476295.
Genomic context (GRCh38, chr3:66,236,234, plus strand): 5'-ACTGCTGGGAGGCATGAGCCACCACATCTGGACTTTTTTTTTTTTTTTTTTTTTTTTTTT[G>A]GCTTTTTGAACCATGTGAGTACTATATTAACAATGAATTTAAATTTTGTTTAAAAATTTT-3'